The following is an entry in ClinVar:

NM_182961.4(SYNE1):c.16405T>A (p.Leu5469Ile)

Gene: SYNE1 (spectrin repeat containing nuclear envelope protein 1; minus strand). Cytogenetic location: 6q25.2.
Variant type: single nucleotide variant.
Coding change: c.16405T>A on transcript NM_182961.4 (MANE Select); coding-DNA position 16405, T replaced by A.
Protein change: p.Leu5469Ile; replaces leucine 5469 with isoleucine.
Molecular consequence: missense variant.
Genome position (GRCh38, 1-based): chr6:152,318,248, A>T on the plus strand (T>A on the coding strand, the complement: SYNE1 is on the minus strand). VCF-style: chr6-152318248-A-T. GRCh37 (hg19) VCF-style: chr6-152639383-A-T.
Other names: c.16192T>A, p.Leu5398Ile (NM_033071.5); short protein forms L5398I, L5469I.
Identifiers: ClinVar variation 499686 (VCV000499686.11), dbSNP rs771840766, ClinGen allele CA4055512.

ClinVar aggregate classification (germline): Uncertain significance. Review status: criteria provided, multiple submitters, no conflicts (2 of 4 stars). 2 submissions from 2 submitters: Uncertain significance (2). Last evaluated 2025-03-10.

Conditions:
Emery-Dreifuss muscular dystrophy 4, autosomal dominant (EDMD4). Also called: EMERY-DREIFUSS MUSCULAR DYSTROPHY 4 WITH VARIABLE FEATURES. Identifiers: Orphanet 261, MedGen C2751807, MONDO:0013071, OMIM 612998.
Autosomal recessive ataxia, Beauce type. Also called: SYNE1 Deficiency; Spinocerebellar ataxia, autosomal recessive 8; ATAXIA, RECESSIVE, OF BEAUCE; SYNE1-Related Autosomal Recessive Cerebellar Ataxia. Identifiers: Orphanet 88644, MedGen C1853116, MONDO:0012549, OMIM 610743.

Allele frequency attached by ClinVar (database versions not stated): gnomAD exomes 0.00002 and below 0.00001; gnomAD 0.00007 and 0.00009; TOPMed 0.00011; ExAC 0.00002.
gnomAD v4.1: 18 of 1,614,058 alleles (0.0011%); highest among the groups gnomAD compares: African/African-American, 0.024%; no homozygotes.

Submissions (2):

Labcorp Genetics (formerly Invitae), Labcorp
Classification: Uncertain significance for Emery-Dreifuss muscular dystrophy 4, autosomal dominant; Autosomal recessive ataxia, Beauce type. Last evaluated: 2025-03-10. Review status: criteria provided, single submitter. Criteria: Invitae Variant Classification Sherloc (09022015). Collection method: clinical testing. Allele origin: germline.
Comment: This sequence change replaces leucine, which is neutral and non-polar, with isoleucine, which is neutral and non-polar, at codon 5398 of the SYNE1 protein (p.Leu5398Ile). This variant is present in population databases (rs771840766, gnomAD 0.03%). This variant has not been reported in the literature in individuals affected with SYNE1-related conditions. ClinVar contains an entry for this variant (Variation ID: 499686). An algorithm developed to predict the effect of missense changes on protein structure and function (PolyPhen-2) suggests that this variant is likely to be disruptive. In summary, the available evidence is currently insufficient to determine the role of this variant in disease. Therefore, it has been classified as a Variant of Uncertain Significance.

Eurofins Ntd Llc (ga)
Classification: Uncertain significance. Last evaluated: 2017-01-05. Review status: criteria provided, single submitter. Criteria: EGL Classification Definitions 2015. Collection method: clinical testing. Allele origin: germline. Observed: 1 variant allele, 1 heterozygote.